The following is an entry in ClinVar:

NM_001009944.3(PKD1):c.8978T>A (p.Leu2993Gln)

Gene: PKD1 (polycystin 1, transient receptor potential channel interacting; minus strand). Cytogenetic location: 16p13.3.
Variant type: single nucleotide variant.
Coding change: c.8978T>A on transcript NM_001009944.3 (MANE Select); coding-DNA position 8978, T replaced by A.
Protein change: p.Leu2993Gln; replaces leucine 2993 with glutamine.
Molecular consequence: missense variant.
Genome position (GRCh38, 1-based): chr16:2,102,604, A>T on the plus strand (T>A on the coding strand, the complement: PKD1 is on the minus strand). VCF-style: chr16-2102604-A-T. GRCh37 (hg19) VCF-style: chr16-2152605-A-T.
Other names: c.8978T>A, p.Leu2993Gln (NM_000296.4); short protein forms L2993Q.
Identifiers: ClinVar variation 1806504 (VCV001806504.3), dbSNP rs1555450487, ClinGen allele CA394361093.

ClinVar aggregate classification (germline): Conflicting classifications of pathogenicity. Review status: criteria provided, conflicting classifications (1 of 4 stars). 3 submissions from 3 submitters: Likely pathogenic (1); Uncertain significance (2). Last evaluated 2025-09-30.

Conditions:
Polycystic kidney disease, adult type (PKD1). Also called: POLYCYSTIC KIDNEY DISEASE, ADULT, TYPE I; Polycystic Kidney, Autosomal Dominant; Polycystic Kidney Disease 1, Autosomal Dominant; Polycystic kidney disease 1; Polycystic kidney disease 1, severe; POLYCYSTIC KIDNEY DISEASE 1 WITH OR WITHOUT POLYCYSTIC LIVER DISEASE. Identifiers: MedGen C3149841, MONDO:0008263, OMIM 173900.

Submissions (3):

Women's Health and Genetics/Laboratory Corporation of America, LabCorp
Classification: Uncertain significance. Last evaluated: 2025-09-30. Review status: criteria provided, single submitter. Criteria: LabCorp Variant Classification Summary - May 2015. Collection method: clinical testing. Allele origin: germline.
Comment: Variant summary: PKD1 c.8978T>A (p.Leu2993Gln) results in a non-conservative amino acid change in the encoded protein sequence. Algorithms developed to predict the effect of missense changes on protein structure and function are either unavailable or do not agree on the potential impact of this missense change. The variant was absent in 244274 control chromosomes. The available data on variant occurrences in the general population are insufficient to allow any conclusion about variant significance. To our knowledge, no occurrence of c.8978T>A in individuals affected with PKD1-related conditions and no experimental evidence demonstrating its impact on protein function have been reported. ClinVar contains an entry for this variant (Variation ID: 1806504). Based on the evidence outlined above, the variant was classified as uncertain significance.

Fulgent Genetics
Classification: Likely pathogenic for Polycystic kidney disease, adult type. Last evaluated: 2024-03-12. Review status: criteria provided, single submitter. Criteria: ACMG Guidelines, 2015. Collection method: clinical testing. Allele origin: germline.

GeneDx
Classification: Uncertain significance. Last evaluated: 2022-06-22. Review status: criteria provided, single submitter. Criteria: GeneDx Variant Classification Process June 2021. Collection method: clinical testing. Allele origin: germline. Affected: yes.
Comment: Not observed at significant frequency in large population cohorts (gnomAD); In silico analysis supports that this missense variant has a deleterious effect on protein structure/function; Has not been previously published as pathogenic or benign to our knowledge